The following is an entry in ClinVar:

ClinVar aggregate classification (germline): Benign (0 of 4 stars; one submission).

Conditions:
NRXN3-related disorder. Also called: NRXN3-related condition.

Submission:

PreventionGenetics, part of Exact Sciences
Classification: Benign for NRXN3-related condition. Last evaluated: 2023-12-05. Review status: no assertion criteria provided. Collection method: clinical testing. Allele origin: germline.
Comment: This variant is classified as benign based on ACMG/AMP sequence variant interpretation guidelines (Richards et al. 2015 PMID: 25741868, with internal and published modifications).

NM_001330195.2(NRXN3):c.2778-11_2778-9del

Gene: NRXN3 (neurexin 3; plus strand). Cytogenetic location: 14q31.1.
Variant type: Deletion.
Coding change: c.2778-11_2778-9del on transcript NM_001330195.2 (MANE Select); 11 bases into the intron before coding-DNA position 2778 through 9 bases into the intron before coding-DNA position 2778, 3 bases deleted (TTT; older notation c.2778-11_2778-9delTTT).
Molecular consequence: intron variant.
Genome position (GRCh38, 1-based): chr14:78,967,197-78,967,199, TTT deleted; deleting any 3 consecutive bases within chr14:78,967,185-78,967,199 gives the same sequence; the c. name uses the placement nearest the transcript's 3' end. VCF-style (leftmost placement, unchanged base first): chr14-78967184-GTTT-G. GRCh37 (hg19) VCF-style: chr14-79433527-GTTT-G.
Other names: c.2790-11_2790-9del (NM_001366426.1); c.2778-11_2778-9del (NM_001366425.1); c.1659-11_1659-9del (NM_004796.6).
Identifiers: ClinVar variation 3046770 (VCV003046770.2), dbSNP rs10603296, ClinGen allele CA7291996.
Genomic context (GRCh38, chr14:78,967,184, plus strand): 5'-CCCACTATGTCAGTTACACACATATAGCCATTAAACCACTTCGGGGATTTTCCAATTATT[GTTT>G]TTTTTTTTTTTTCTTCCTAGGTATATACACTACGTTTTTGACCTCGGAAACGGTCCCAAT-3'